The following is an entry in ClinVar:

NM_001323289.2(CDKL5):c.2540C>T (p.Ser847Leu)

Gene: CDKL5 (cyclin dependent kinase like 5; plus strand). Cytogenetic location: Xp22.13.
Variant type: single nucleotide variant.
Coding change: c.2540C>T on transcript NM_001323289.2 (MANE Select); coding-DNA position 2540, C replaced by T.
Protein change: p.Ser847Leu; replaces serine 847 with leucine.
Molecular consequence: missense variant.
Genome position (GRCh38, 1-based): chrX:18,628,414, C>T. VCF-style: chrX-18628414-C-T. GRCh37 (hg19) VCF-style: chrX-18646534-C-T.
Other names: c.2540C>T, p.Ser847Leu (NM_001037343.2, NM_003159.3); short protein forms S847L.
Identifiers: ClinVar variation 5040044 (VCV005040044.1).

ClinVar aggregate classification (germline): Uncertain significance (1 of 4 stars; one submission).

gnomAD v4.1: 1 of 1,209,921 alleles (0.000083%); highest among the groups gnomAD compares: African/African-American, 0.0017%; no homozygotes.

Submission:

CeGaT Center for Human Genetics Tuebingen
Classification: Uncertain significance. Last evaluated: 2026-07-01. Review status: criteria provided, single submitter. Criteria: CeGaT Center For Human Genetics Tuebingen Variant Classification Criteria Version 2. Collection method: clinical testing. Allele origin: germline. Affected: yes. Observed: 1 variant allele.
Comment: CDKL5: PM2:Supporting